The following is an entry in ClinVar:

NM_001385079.1(PDE10A):c.2532C>T (p.Phe844=)

Gene: PDE10A (phosphodiesterase 10A; minus strand). Cytogenetic location: 6q27.
Variant type: single nucleotide variant.
Coding change: c.2532C>T on transcript NM_001385079.1 (MANE Select); coding-DNA position 2532, C replaced by T.
Protein change: p.Phe844=; no amino-acid change (phenylalanine 844 retained).
Molecular consequence: synonymous variant.
Genome position (GRCh38, 1-based): chr6:165,388,376, G>A on the plus strand (C>T on the coding strand, the complement: PDE10A is on the minus strand). VCF-style: chr6-165388376-G-A. GRCh37 (hg19) VCF-style: chr6-165801865-G-A.
Other names: c.1734C>T, p.Phe578= (NM_001130690.3); c.1704C>T, p.Phe568= (NM_006661.4).
Identifiers: ClinVar variation 713327 (VCV000713327.16), dbSNP rs139267725, ClinGen allele CA4092087.

ClinVar aggregate classification (germline): Likely benign. Review status: criteria provided, multiple submitters, no conflicts (2 of 4 stars). 3 submissions from 3 submitters: Likely benign (3). Last evaluated 2026-02-01.

Allele frequency attached by ClinVar (database versions not stated): ESP Exome Variant Server 0.00008; 1000 Genomes Project 30x 0.00016; 1000 Genomes Project 0.00020; gnomAD 0.00031 and 0.00036; gnomAD exomes 0.00035 and 0.00055; TOPMed 0.00040; ExAC 0.00051.
gnomAD v4.1: 605 of 1,614,038 alleles (0.037%); highest among the groups gnomAD compares: Middle Eastern, 1.2%; 3 homozygotes.

Submissions (3):

CeGaT Center for Human Genetics Tuebingen
Classification: Likely benign. Last evaluated: 2026-02-01. Review status: criteria provided, single submitter. Criteria: CeGaT Center For Human Genetics Tuebingen Variant Classification Criteria Version 2. Collection method: clinical testing. Allele origin: germline. Affected: yes. Observed: 1 variant allele.
Comment: PDE10A: BP4, BP7

Labcorp Genetics (formerly Invitae), Labcorp
Classification: Likely benign. Last evaluated: 2024-12-24. Review status: criteria provided, single submitter. Criteria: Invitae Variant Classification Sherloc (09022015). Collection method: clinical testing. Allele origin: germline.

Breakthrough Genomics
Classification: Likely benign. Review status: criteria provided, single submitter. Criteria: ACMG Guidelines, 2015. Collection method: not provided. Allele origin: germline. Inheritance: Autosomal recessive inheritance. Affected: yes.